The following is an entry in ClinVar:

ClinVar aggregate classification (germline): Uncertain significance (1 of 4 stars; one submission).

Conditions:
Joubert syndrome. Also called: CEREBELLOPARENCHYMAL DISORDER IV; JOUBERT-BOLTSHAUSER SYNDROME; Familial aplasia of the vermis. Identifiers: Orphanet 475, MedGen C5979921, MONDO:0018772.
Meckel-Gruber syndrome. Also called: DYSENCEPHALIA SPLANCHNOCYSTICA; GRUBER SYNDROME; Dysencephalia splachnocystica. Identifiers: Orphanet 564, MedGen C0265215, MONDO:0018921.

Submission:

Labcorp Genetics (formerly Invitae), Labcorp
Classification: Uncertain significance for Joubert syndrome; Meckel-Gruber syndrome. Last evaluated: 2025-08-11. Review status: criteria provided, single submitter. Criteria: Invitae Variant Classification Sherloc (09022015). Collection method: clinical testing. Allele origin: germline.
Comment: This sequence change replaces tyrosine, which is neutral and polar, with asparagine, which is neutral and polar, at codon 368 of the TMEM67 protein (p.Tyr368Asn). This variant is not present in population databases (gnomAD no frequency). This variant has not been reported in the literature in individuals affected with TMEM67-related conditions. ClinVar contains an entry for this variant (Variation ID: 2938873). Invitae Evidence Modeling of protein sequence and biophysical properties (such as structural, functional, and spatial information, amino acid conservation, physicochemical variation, residue mobility, and thermodynamic stability) indicates that this missense variant is expected to disrupt TMEM67 protein function with a positive predictive value of 95%. In summary, the available evidence is currently insufficient to determine the role of this variant in disease. Therefore, it has been classified as a Variant of Uncertain Significance.

NM_153704.6(TMEM67):c.1102T>A (p.Tyr368Asn)

Gene: TMEM67 (transmembrane protein 67; plus strand). Cytogenetic location: 8q22.1.
Variant type: single nucleotide variant.
Coding change: c.1102T>A on transcript NM_153704.6 (MANE Select); coding-DNA position 1102, T replaced by A.
Protein change: p.Tyr368Asn; replaces tyrosine 368 with asparagine.
Molecular consequence: missense variant. On other transcripts: non-coding transcript variant (1).
Genome position (GRCh38, 1-based): chr8:93,782,431, T>A. VCF-style: chr8-93782431-T-A. GRCh37 (hg19) VCF-style: chr8-94794659-T-A.
Other names: c.859T>A, p.Tyr287Asn (NM_001142301.1); short protein forms Y287N, Y368N.
Identifiers: ClinVar variation 2938873 (VCV002938873.3), dbSNP rs2536850780, ClinGen allele CA371689104.